The following is an entry in ClinVar:

ClinVar aggregate classification (germline): Conflicting classifications of pathogenicity. Review status: criteria provided, conflicting classifications (1 of 4 stars). 3 submissions from 3 submitters: Uncertain significance (2); Likely benign (1). Last evaluated 2025-09-03.

Conditions:
Inborn genetic diseases. Identifiers: MedGen C0950123, MeSH D030342.
Developmental and epileptic encephalopathy, 36 (DEE36). Also called: Congenital disorder of glycosylation, type Is; ALG13-CDG; Epileptic encephalopathy, early infantile, 36. Identifiers: Orphanet 324422, MedGen C4317295, MONDO:0010472, OMIM 300884.

Allele frequency attached by ClinVar (database versions not stated): TOPMed below 0.00001; gnomAD 0.00002 and 0.00009; gnomAD exomes 0.00002.
gnomAD v4.1: 28 of 1,194,267 alleles (0.0023%); highest among the groups gnomAD compares: Non-Finnish European, 0.0029%; no homozygotes.

Submissions (3):

Labcorp Genetics (formerly Invitae), Labcorp
Classification: Uncertain significance for Developmental and epileptic encephalopathy, 36. Last evaluated: 2025-09-03. Review status: criteria provided, single submitter. Criteria: Invitae Variant Classification Sherloc (09022015). Collection method: clinical testing. Allele origin: germline.
Comment: This sequence change replaces asparagine, which is neutral and polar, with serine, which is neutral and polar, at codon 426 of the ALG13 protein (p.Asn426Ser). The frequency data for this variant in the population databases is considered unreliable, as metrics indicate poor data quality at this position in the gnomAD database. This variant has not been reported in the literature in individuals affected with ALG13-related conditions. ClinVar contains an entry for this variant (Variation ID: 514851). Invitae Evidence Modeling of protein sequence and biophysical properties (such as structural, functional, and spatial information, amino acid conservation, physicochemical variation, residue mobility, and thermodynamic stability) indicates that this missense variant is not expected to disrupt ALG13 protein function with a negative predictive value of 95%. In summary, the available evidence is currently insufficient to determine the role of this variant in disease. Therefore, it has been classified as a Variant of Uncertain Significance.

Ambry Genetics
Classification: Uncertain significance for Inborn genetic diseases. Last evaluated: 2019-03-25. Review status: criteria provided, single submitter. Criteria: Ambry Variant Classification Scheme 2023. Collection method: clinical testing. Allele origin: germline.
Comment: The p.N426S variant (also known as c.1277A>G), located in coding exon 11 of the ALG13 gene, results from an A to G substitution at nucleotide position 1277. The asparagine at codon 426 is replaced by serine, an amino acid with highly similar properties. This amino acid position is not well conserved in available vertebrate species. In addition, this alteration is predicted to be tolerated by in silico analysis. Since supporting evidence is limited at this time, the clinical significance of this alteration remains unclear.

GeneDx
Classification: Likely benign. Last evaluated: 2018-01-29. Review status: criteria provided, single submitter. Criteria: GeneDx Variant Classification (06012015). Collection method: clinical testing. Allele origin: germline. Affected: yes.
Comment: This variant is considered likely benign or benign based on one or more of the following criteria: it is a conservative change, it occurs at a poorly conserved position in the protein, it is predicted to be benign by multiple in silico algorithms, and/or has population frequency not consistent with disease.

NM_001099922.3(ALG13):c.1277A>G (p.Asn426Ser)

Gene: ALG13 (ALG13 UDP-N-acetylglucosaminyltransferase subunit; plus strand). Cytogenetic location: Xq23.
Variant type: single nucleotide variant.
Coding change: c.1277A>G on transcript NM_001099922.3 (MANE Select); coding-DNA position 1277, A replaced by G.
Protein change: p.Asn426Ser; replaces asparagine 426 with serine.
Molecular consequence: missense variant. On other transcripts: non-coding transcript variant (1).
Genome position (GRCh38, 1-based): chrX:111,720,121, A>G. VCF-style: chrX-111720121-A-G. GRCh37 (hg19) VCF-style: chrX-110963349-A-G.
Other names: c.965A>G, p.Asn322Ser (NM_001257230.2, NM_001257234.2, NM_001257237.2 and 1 more transcripts); c.1043A>G, p.Asn348Ser (NM_001257231.2); c.1277A>G, p.Asn426Ser (NM_001324292.2); short protein forms N426S, N348S, N322S.
Identifiers: ClinVar variation 514851 (VCV000514851.13), dbSNP rs1208820400, ClinGen allele CA414251292.